The following is an entry in ClinVar:

NM_014946.4(SPAST):c.256C>G (p.Leu86Val)

Gene: SPAST (spastin; plus strand). Cytogenetic location: 2p22.3.
Variant type: single nucleotide variant.
Coding change: c.256C>G on transcript NM_014946.4 (MANE Select); coding-DNA position 256, C replaced by G.
Protein change: p.Leu86Val; replaces leucine 86 with valine.
Molecular consequence: missense variant.
Genome position (GRCh38, 1-based): chr2:32,064,087, C>G. VCF-style: chr2-32064087-C-G. GRCh37 (hg19) VCF-style: chr2-32289156-C-G.
Other names: c.256C>G, p.Leu86Val (NM_001363823.2, NM_001363875.2, NM_001377959.1 and 1 more transcripts); short protein forms L86V.
Identifiers: ClinVar variation 4172653 (VCV004172653.2).
Genomic context (GRCh38, chr2:32,064,087, plus strand): 5'-TTGGTCGCCTTCCACCTGGGGCTCCTCTTCGTGTGGCTCTGCCAGCGCTTCTCCCGCGCC[C>G]TCATGGCAGCCAAGAGGAGCTCCGGGGCCGCGCCAGCACCTGCCTCGGCCTCGGCCCCGG-3'
Protein context (NP_055761.2, residues 76-96): VWLCQRFSRA[Leu86Val]MAAKRSSGAA

ClinVar aggregate classification (germline): Uncertain significance. Review status: criteria provided, multiple submitters, no conflicts (2 of 4 stars). 2 submissions from 2 submitters: Uncertain significance (2). Last evaluated 2025-06-25.

Conditions:
Hereditary spastic paraplegia 4. Also called: Spastic Paraplegia 4; Familial spastic paraplegia autosomal dominant 2; Spastic paraplegia 4, autosomal dominant. Identifiers: Orphanet 100985, MedGen C1866855, MONDO:0008438, OMIM 182601.
Inborn genetic diseases. Identifiers: MedGen C0950123, MeSH D030342.

gnomAD v4.1: 16 of 1,611,400 alleles (0.00099%); highest among the groups gnomAD compares: East Asian, 0.0022%; no homozygotes.

Submissions (2):

Ambry Genetics
Classification: Uncertain significance for Inborn genetic diseases. Last evaluated: 2025-06-25. Review status: criteria provided, single submitter. Criteria: Ambry Variant Classification Scheme 2023. Collection method: clinical testing. Allele origin: germline.

Labcorp Genetics (formerly Invitae), Labcorp
Classification: Uncertain significance for Hereditary spastic paraplegia 4. Last evaluated: 2025-05-27. Review status: criteria provided, single submitter. Criteria: Invitae Variant Classification Sherloc (09022015). Collection method: clinical testing. Allele origin: germline.
Comment: This sequence change replaces leucine, which is neutral and non-polar, with valine, which is neutral and non-polar, at codon 86 of the SPAST protein (p.Leu86Val). This variant is present in population databases (rs764268577, gnomAD 0.004%). This variant has not been reported in the literature in individuals affected with SPAST-related conditions. Invitae Evidence Modeling of protein sequence and biophysical properties (such as structural, functional, and spatial information, amino acid conservation, physicochemical variation, residue mobility, and thermodynamic stability) has been performed for this missense variant. However, the output from this modeling did not meet the statistical confidence thresholds required to predict the impact of this variant on SPAST protein function. In summary, the available evidence is currently insufficient to determine the role of this variant in disease. Therefore, it has been classified as a Variant of Uncertain Significance.